The following is an entry in ClinVar:

ClinVar aggregate classification (germline): Uncertain significance (1 of 4 stars; one submission).

Conditions:
Cardiomyopathy (CMYO). Also called: Cardiomyopathies. Identifiers: Orphanet 167848, MedGen C0878544, MONDO:0004994, HP:0001638. Inheritance: Various modes of inheritance.

Allele frequency attached by ClinVar (database versions not stated): gnomAD exomes below 0.00001.
gnomAD v4.1: 1 of 1,612,504 alleles (0.000062%); highest among the groups gnomAD compares: Non-Finnish European, 0.000085%; no homozygotes.

Submission:

Color Diagnostics, LLC DBA Color Health
Classification: Uncertain significance for Cardiomyopathy. Last evaluated: 2023-12-04. Review status: criteria provided, single submitter. Criteria: ACMG Guidelines, 2015. Collection method: clinical testing. Allele origin: germline.
Comment: Variant of Uncertain Significance due to insufficient evidence: This missense variant replaces alanine with valine at codon 372 of the MYBPC3 protein. Computational prediction tools and conservation analyses are inconclusive regarding the impact of this variant on the protein function. Computational splicing tools suggest that this variant may not impact RNA splicing. To our knowledge, functional assays have not been performed for this variant nor has this variant been reported in individuals affected with cardiovascular disorders in the literature. This variant is rare in the general population and has been identified in 0/277264 chromosomes by the Genome Aggregation Database (gnomAD). Available evidence is insufficient to determine the role of this variant in disease conclusively.

NM_000256.3(MYBPC3):c.1115C>T (p.Ala372Val)

Gene: MYBPC3 (myosin binding protein C3; minus strand). Cytogenetic location: 11p11.2.
Variant type: single nucleotide variant.
Coding change: c.1115C>T on transcript NM_000256.3 (MANE Select); coding-DNA position 1115, C replaced by T.
Protein change: p.Ala372Val; replaces alanine 372 with valine.
Molecular consequence: missense variant.
Genome position (GRCh38, 1-based): chr11:47,343,600, G>A on the plus strand (C>T on the coding strand, the complement: MYBPC3 is on the minus strand). VCF-style: chr11-47343600-G-A. GRCh37 (hg19) VCF-style: chr11-47365151-G-A.
Other names: short protein forms A372V.
Identifiers: ClinVar variation 923994 (VCV000923994.5), dbSNP rs2095891415, ClinGen allele CA380329347.